The following is an entry in ClinVar:

NM_017547.4(FOXRED1):c.1054C>T (p.Arg352Trp)

Gene: FOXRED1 (FAD dependent oxidoreductase domain containing 1; plus strand). Cytogenetic location: 11q24.2.
Variant type: single nucleotide variant.
Coding change: c.1054C>T on transcript NM_017547.4 (MANE Select); coding-DNA position 1054, C replaced by T.
Protein change: p.Arg352Trp; replaces arginine 352 with tryptophan.
Molecular consequence: missense variant. On other transcripts: non-coding transcript variant (2).
Genome position (GRCh38, 1-based): chr11:126,276,476, C>T. VCF-style: chr11-126276476-C-T. GRCh37 (hg19) VCF-style: chr11-126146371-C-T.
Other names: short protein forms R352W.
Identifiers: ClinVar variation 31048 (VCV000031048.12), dbSNP rs387907087, ClinGen allele CA129635.

ClinVar aggregate classification (germline): Pathogenic. Review status: criteria provided, multiple submitters, no conflicts (2 of 4 stars). 5 submissions from 5 submitters: Pathogenic (4). 1 of the submissions does not count toward it. Last evaluated 2025-12-19.

Conditions:
Mitochondrial complex I deficiency, nuclear type 19. Also called: Mitochondrial complex 1 deficiency, nuclear type 19. Identifiers: MedGen C4748791, MONDO:0032624, OMIM 618241.
Inborn genetic diseases. Identifiers: MedGen C0950123, MeSH D030342.

Allele frequency attached by ClinVar (database versions not stated): gnomAD exomes 0.00001 and 0.00002; TOPMed 0.00002; ExAC 0.00003; gnomAD 0.00001; 1000 Genomes Project 30x 0.00016.
gnomAD v4.1: 13 of 1,608,600 alleles (0.00081%); highest among the groups gnomAD compares: Middle Eastern, 0.017%; no homozygotes.

Submissions (5):

Labcorp Genetics (formerly Invitae), Labcorp
Classification: Pathogenic. Last evaluated: 2025-12-19. Review status: criteria provided, single submitter. Criteria: Invitae Variant Classification Sherloc (09022015). Collection method: clinical testing. Allele origin: germline.
Comment: This sequence change replaces arginine, which is basic and polar, with tryptophan, which is neutral and slightly polar, at codon 352 of the FOXRED1 protein (p.Arg352Trp). This variant is present in population databases (rs387907087, gnomAD 0.02%). This missense change has been observed in individual(s) with clinical features of mitochondrial complex I deficiency (PMID: 20858599, 33613441). In at least one individual the data is consistent with being in trans (on the opposite chromosome) from a pathogenic variant. ClinVar contains an entry for this variant (Variation ID: 31048). Invitae Evidence Modeling of protein sequence and biophysical properties (such as structural, functional, and spatial information, amino acid conservation, physicochemical variation, residue mobility, and thermodynamic stability) has been performed for this missense variant. However, the output from this modeling did not meet the statistical confidence thresholds required to predict the impact of this variant on FOXRED1 protein function. Studies have shown that this missense change alters FOXRED1 gene expression (PMID: 20858599). Algorithms developed to predict the effect of sequence changes on RNA splicing suggest that this variant may disrupt the consensus splice site. For these reasons, this variant has been classified as Pathogenic.

Fulgent Genetics
Classification: Pathogenic for Mitochondrial complex I deficiency, nuclear type 19. Last evaluated: 2024-06-19. Review status: criteria provided, single submitter. Criteria: ACMG Guidelines, 2015. Collection method: clinical testing. Allele origin: germline.

Women's Health and Genetics/Laboratory Corporation of America, LabCorp
Classification: Pathogenic for Mitochondrial complex I deficiency, nuclear type 19. Last evaluated: 2024-06-14. Review status: criteria provided, single submitter. Criteria: LabCorp Variant Classification Summary - May 2015. Collection method: clinical testing. Allele origin: germline.
Comment: Variant summary: FOXRED1 c.1054C>T (p.Arg352Trp) results in a non-conservative amino acid change located in the FAD dependent oxidoreductase domain (IPR006076) of the encoded protein sequence. Five of five in-silico tools predict a damaging effect of the variant on protein function. The variant allele was found at a frequency of 2.4e-05 in 250006 control chromosomes (gnomAD). c.1054C>T has been reported in the literature in individuals affected with Mitochondrial Complex 1 Deficiency, Nuclear Type 19 (e.g. Fassone_2010, Hu_2021). These data indicate that the variant is likely to be associated with disease. Publications also reported experimental evidence evaluating an impact on protein function, and demonstrated reduced complex I activity (e.g. Fassone_2010, Formosa_2015). The following publications have been ascertained in the context of this evaluation (PMID: 20858599, 33613441, 25678554). ClinVar contains an entry for this variant (Variation ID: 31048). Based on the evidence outlined above, the variant was classified as pathogenic.

Ambry Genetics
Classification: Pathogenic for Inborn genetic diseases. Last evaluated: 2017-05-13. Review status: criteria provided, single submitter. Criteria: Ambry exome assertion method (8-5-2015). Collection method: clinical testing. Allele origin: germline. Affected: yes. Observed: 1 variant allele.

OMIM
Classification: Pathogenic for MITOCHONDRIAL COMPLEX I DEFICIENCY, NUCLEAR TYPE 19. Last evaluated: 2010-12-15. Review status: no assertion criteria provided. Collection method: literature only. Allele origin: germline. Not counted in ClinVar's aggregate classification.

Literature cited by the submitters: PubMed 20858599 (cited by 4 submitters); PubMed 33613441 (cited by Labcorp Genetics (formerly Invitae), Labcorp and Women's Health and Genetics/Laboratory Corporation of America, LabCorp); PubMed 25678554 (cited by Women's Health and Genetics/Laboratory Corporation of America, LabCorp and Ambry Genetics).